The following is an entry in ClinVar:

NM_001123385.2(BCOR):c.2815T>C (p.Tyr939His)

Gene: BCOR (BCL6 corepressor; minus strand). Cytogenetic location: Xp11.4.
Variant type: single nucleotide variant.
Coding change: c.2815T>C on transcript NM_001123385.2 (MANE Select); coding-DNA position 2815, T replaced by C.
Protein change: p.Tyr939His; replaces tyrosine 939 with histidine.
Molecular consequence: missense variant.
Genome position (GRCh38, 1-based): chrX:40,072,531, A>G on the plus strand (T>C on the coding strand, the complement: BCOR is on the minus strand). VCF-style: chrX-40072531-A-G. GRCh37 (hg19) VCF-style: chrX-39931784-A-G.
Other names: c.2815T>C, p.Tyr939His (NM_001123383.2, NM_001123384.2, NM_017745.6); short protein forms Y939H.
Identifiers: ClinVar variation 1364543 (VCV001364543.8), dbSNP rs2147202440, ClinGen allele CA412741778.

ClinVar aggregate classification (germline): Uncertain significance (1 of 4 stars; one submission).

Conditions:
Oculofaciocardiodental syndrome (MCOPS2). Identifiers: Orphanet 2712, MedGen C1846265, MONDO:0010261, OMIM 300166.

Allele frequency attached by ClinVar (database versions not stated): gnomAD exomes below 0.00001.
gnomAD v4.1: 1 of 1,211,973 alleles (0.000083%); highest among the groups gnomAD compares: East Asian, 0.003%; no homozygotes.

Submission:

Labcorp Genetics (formerly Invitae), Labcorp
Classification: Uncertain significance for Oculofaciocardiodental syndrome. Last evaluated: 2022-08-09. Review status: criteria provided, single submitter. Criteria: Invitae Variant Classification Sherloc (09022015). Collection method: clinical testing. Allele origin: germline.
Comment: This sequence change replaces tyrosine, which is neutral and polar, with histidine, which is basic and polar, at codon 939 of the BCOR protein (p.Tyr939His). In summary, the available evidence is currently insufficient to determine the role of this variant in disease. Therefore, it has been classified as a Variant of Uncertain Significance. Algorithms developed to predict the effect of missense changes on protein structure and function (SIFT, PolyPhen-2, Align-GVGD) all suggest that this variant is likely to be disruptive. ClinVar contains an entry for this variant (Variation ID: 1364543). This variant has not been reported in the literature in individuals affected with BCOR-related conditions. This variant is not present in population databases (gnomAD no frequency).